The following is an entry in ClinVar:

NM_000111.3(SLC26A3):c.1234-9T>A

Gene: SLC26A3 (solute carrier family 26 member 3; minus strand). Cytogenetic location: 7q22.3.
Variant type: single nucleotide variant.
Coding change: c.1234-9T>A on transcript NM_000111.3 (MANE Select); 9 bases into the intron before coding-DNA position 1234, T replaced by A.
Molecular consequence: intron variant.
Genome position (GRCh38, 1-based): chr7:107,782,883, A>T on the plus strand (T>A on the coding strand, the complement: SLC26A3 is on the minus strand). VCF-style: chr7-107782883-A-T. GRCh37 (hg19) VCF-style: chr7-107423328-A-T.
Identifiers: ClinVar variation 910198 (VCV000910198.14), dbSNP rs763953558, ClinGen allele CA4433887.

ClinVar aggregate classification (germline): Conflicting classifications of pathogenicity. Review status: criteria provided, conflicting classifications (1 of 4 stars). 4 submissions from 4 submitters: Uncertain significance (1); Likely benign (2). 1 of the submissions does not count toward it. Last evaluated 2026-01-20.

Conditions:
SLC26A3-related disorder. Also called: SLC26A3-related condition.
Congenital secretory diarrhea, chloride type (DIAR1). Also called: CHLORIDORRHEA, CONGENITAL; DIARRHEA 1, SECRETORY CHLORIDE, CONGENITAL; CHLORIDE DIARRHEA, CONGENITAL, FINNISH TYPE. Identifiers: Orphanet 53689, MedGen C0267662, MONDO:0008964, OMIM 214700.

Allele frequency attached by ClinVar (database versions not stated): gnomAD exomes 0.00002 and 0.00004; ExAC 0.00004; gnomAD 0.00006 and 0.00007; TOPMed 0.00010.

Submissions (4):

Labcorp Genetics (formerly Invitae), Labcorp
Classification: Likely benign. Last evaluated: 2026-01-20. Review status: criteria provided, single submitter. Criteria: Invitae Variant Classification Sherloc (09022015). Collection method: clinical testing. Allele origin: germline.

Blueprint Genetics
Classification: Likely benign. Last evaluated: 2024-06-18. Review status: criteria provided, single submitter. Criteria: ACMG Guidelines, 2015. Collection method: clinical testing. Allele origin: germline.

Illumina Laboratory Services, Illumina
Classification: Uncertain significance for Congenital secretory diarrhea, chloride type. Last evaluated: 2018-01-13. Review status: criteria provided, single submitter. Criteria: ICSL Variant Classification Criteria 13 December 2019. Collection method: clinical testing. Allele origin: germline.

PreventionGenetics, part of Exact Sciences
Classification: Likely benign for SLC26A3-related condition. Last evaluated: 2019-02-21. Review status: no assertion criteria provided. Collection method: clinical testing. Allele origin: germline. Not counted in ClinVar's aggregate classification.
Comment: This variant is classified as likely benign based on ACMG/AMP sequence variant interpretation guidelines (Richards et al. 2015 PMID: 25741868, with internal and published modifications).